The following is an entry in ClinVar:

NM_015459.5(ATL3):c.165C>G (p.Ile55Met)

Gene: ATL3 (atlastin GTPase 3; minus strand). Cytogenetic location: 11q13.1.
Variant type: single nucleotide variant.
Coding change: c.165C>G on transcript NM_015459.5 (MANE Select); coding-DNA position 165, C replaced by G.
Protein change: p.Ile55Met; replaces isoleucine 55 with methionine.
Molecular consequence: missense variant.
Genome position (GRCh38, 1-based): chr11:63,659,134, G>C on the plus strand (C>G on the coding strand, the complement: ATL3 is on the minus strand). VCF-style: chr11-63659134-G-C. GRCh37 (hg19) VCF-style: chr11-63426606-G-C.
Other names: c.111C>G, p.Ile37Met (NM_001290048.2); short protein forms I37M, I55M.
Identifiers: ClinVar variation 956906 (VCV000956906.9), dbSNP rs777424027, ClinGen allele CA381030939.

ClinVar aggregate classification (germline): Uncertain significance (1 of 4 stars; one submission).

Conditions:
Neuropathy, hereditary sensory, type 1F. Also called: Hereditary sensory neuropathy type IF; HSN IF. Identifiers: Orphanet 36386, MedGen C3810194, MONDO:0014286, OMIM 615632.

gnomAD v4.1: 3 of 1,613,912 alleles (0.00019%); highest among the groups gnomAD compares: Non-Finnish European, 0.00025%; no homozygotes.

Submission:

Labcorp Genetics (formerly Invitae), Labcorp
Classification: Uncertain significance for Neuropathy, hereditary sensory, type 1F. Last evaluated: 2021-05-12. Review status: criteria provided, single submitter. Criteria: Invitae Variant Classification Sherloc (09022015). Collection method: clinical testing. Allele origin: germline.
Comment: This sequence change replaces isoleucine with methionine at codon 55 of the ATL3 protein (p.Ile55Met). The isoleucine residue is moderately conserved and there is a small physicochemical difference between isoleucine and methionine. This variant is not present in population databases (ExAC no frequency). This variant has not been reported in the literature in individuals with ATL3-related conditions. Algorithms developed to predict the effect of missense changes on protein structure and function are either unavailable or do not agree on the potential impact of this missense change (SIFT: "Deleterious"; PolyPhen-2: "Possibly Damaging"; Align-GVGD: "Class C0"). In summary, the available evidence is currently insufficient to determine the role of this variant in disease. Therefore, it has been classified as a Variant of Uncertain Significance.